The following is an entry in ClinVar:

ClinVar aggregate classification (germline): Pathogenic (1 of 4 stars; one submission).

Conditions:
Galactosylceramide beta-galactosidase deficiency. Also called: Krabbe Disease; Leukodystrophy, Globoid Cell; GALACTOCEREBROSIDASE DEFICIENCY; GALC DEFICIENCY; GLOBOID CELL LEUKOENCEPHALOPATHY. Identifiers: Orphanet 487, MedGen C0023521, MONDO:0009499, OMIM 245200.

Submission:

Labcorp Genetics (formerly Invitae), Labcorp
Classification: Pathogenic for Galactosylceramide beta-galactosidase deficiency. Last evaluated: 2020-09-20. Review status: criteria provided, single submitter. Criteria: Invitae Variant Classification Sherloc (09022015). Collection method: clinical testing. Allele origin: germline.
Comment: For these reasons, this variant has been classified as Pathogenic. Loss-of-function variants in GALC are known to be pathogenic (PMID: 7437911, 9272171, 16607461). This variant has been observed in individual(s) with Krabbe disease (PMID: 20886637). This variant is not present in population databases (ExAC no frequency). This sequence change creates a premature translational stop signal (p.Gly104Asnfs*4) in the GALC gene. It is expected to result in an absent or disrupted protein product.

Literature cited by the submitters: PubMed 7437911; PubMed 9272171; PubMed 16607461; PubMed 20886637.

NM_000153.4(GALC):c.302_308dup (p.Gly104fs)

Gene: GALC (galactosylceramidase; minus strand). Cytogenetic location: 14q31.3.
Variant type: Duplication.
Coding change: c.302_308dup on transcript NM_000153.4 (MANE Select); coding-DNA positions 302 to 308, 7 bases duplicated (AAATAGG; older notation c.302_308dupAAATAGG).
Protein change: p.Gly104fs; shifts the reading frame from glycine 104.
Molecular consequence: frameshift variant.
Genome position (GRCh38, 1-based): chr14:87,988,164-87,988,170, CCTATTT duplicated on the plus strand (AAATAGG on the coding strand, the reverse complement: GALC is on the minus strand); duplicating any 7 consecutive bases within chr14:87,988,164-87,988,172 gives the same sequence; the c. name uses the placement nearest the transcript's 3' end. VCF-style (leftmost placement, unchanged base first): chr14-87988163-A-ACCTATTT. GRCh37 (hg19) VCF-style: chr14-88454507-A-ACCTATTT.
Other names: c.233_239dup, p.Gly81fs (NM_001201401.2); c.224_230dup, p.Gly78fs (NM_001201402.2); short protein forms G104fs, G78fs, G81fs.
Identifiers: ClinVar variation 1070766 (VCV001070766.9), dbSNP rs2139758703, ClinGen allele CA2499222761.